The following is an entry in ClinVar:

ClinVar aggregate classification (germline): Likely benign (1 of 4 stars; one submission).

Allele frequency attached by ClinVar (database versions not stated): 1000 Genomes Project 0.00080; 1000 Genomes Project 30x 0.00203; TOPMed 0.00484; gnomAD 0.00508; gnomAD exomes 0.00745; ExAC 0.05405.
gnomAD v4.1: 9,672 of 1,356,248 alleles (0.71%); highest among the groups gnomAD compares: Middle Eastern, 0.83%; 59 homozygotes.

Submission:

CeGaT Center for Human Genetics Tuebingen
Classification: Likely benign. Last evaluated: 2022-07-01. Review status: criteria provided, single submitter. Criteria: CeGaT Center For Human Genetics Tuebingen Variant Classification Criteria Version 2. Collection method: clinical testing. Allele origin: germline. Affected: yes. Observed: 1 variant allele.
Comment: SACK1F: BP4, BP7

NM_138435.4(SACK1F):c.54G>A (p.Val18=)

Gene: SACK1F (scaffolding CK1 anchoring protein F; plus strand). Cytogenetic location: 22q13.1.
Variant type: single nucleotide variant.
Coding change: c.54G>A on transcript NM_138435.4 (MANE Select); coding-DNA position 54, G replaced by A.
Protein change: p.Val18=; no amino-acid change (valine 18 retained).
Molecular consequence: synonymous variant.
Genome position (GRCh38, 1-based): chr22:39,995,096, G>A. VCF-style: chr22-39995096-G-A. GRCh37 (hg19) VCF-style: chr22-40391100-G-A.
Identifiers: ClinVar variation 2653166 (VCV002653166.24), dbSNP rs149259541, ClinGen allele CA10245963.